The following is an entry in ClinVar:

NM_030948.6(PHACTR1):c.664+2273G>A

Gene: PHACTR1 (phosphatase and actin regulator 1; plus strand). Cytogenetic location: 6p24.1.
Variant type: single nucleotide variant.
Coding change: c.664+2273G>A on transcript NM_030948.6 (MANE Select); 2273 bases into the intron after coding-DNA position 664, G replaced by A.
Molecular consequence: intron variant. On other transcripts: synonymous variant (4).
Genome position (GRCh38, 1-based): chr6:13,184,959, G>A. VCF-style: chr6-13184959-G-A. GRCh37 (hg19) VCF-style: chr6-13185191-G-A.
Other names: c.825G>A, p.Pro275= (NM_001322310.2, NM_001374582.1); c.549G>A, p.Pro183= (NM_001322313.2); c.828G>A, p.Pro276= (NM_001322314.4); c.664+2273G>A (NM_001242648.4, NM_001374581.2, NM_001322308.3 and 1 more transcripts); c.388+2273G>A (NM_001322312.3, NM_001322311.2, NM_001374583.2).
Identifiers: ClinVar variation 4822592 (VCV004822592.4).

ClinVar aggregate classification (germline): Likely benign (1 of 4 stars; one submission).

gnomAD v4.1: 114 of 1,366,384 alleles (0.0083%); highest among the groups gnomAD compares: Admixed American, 0.19%; no homozygotes.

Submission:

CeGaT Center for Human Genetics Tuebingen
Classification: Likely benign. Last evaluated: 2026-03-01. Review status: criteria provided, single submitter. Criteria: CeGaT Center For Human Genetics Tuebingen Variant Classification Criteria Version 2. Collection method: clinical testing. Allele origin: germline. Affected: yes. Observed: 1 variant allele.
Comment: PHACTR1: BP4, BP7